The following is an entry in ClinVar:

ClinVar aggregate classification (germline): Likely benign (1 of 4 stars; one submission).

Submission:

GeneDx
Classification: Likely benign. Last evaluated: 2023-01-23. Review status: criteria provided, single submitter. Criteria: GeneDx Variant Classification Process June 2021. Collection method: clinical testing. Allele origin: germline. Affected: yes.
Comment: See Variant Classification Assertion Criteria.

NM_014633.5(CTR9):c.799A>G (p.Ser267Gly)

Gene: CTR9 (CTR9 homolog, Paf1/RNA polymerase II complex component; plus strand). Cytogenetic location: 11p15.4.
Variant type: single nucleotide variant.
Coding change: c.799A>G on transcript NM_014633.5 (MANE Select); coding-DNA position 799, A replaced by G.
Protein change: p.Ser267Gly; replaces serine 267 with glycine.
Molecular consequence: missense variant.
Genome position (GRCh38, 1-based): chr11:10,762,004, A>G. VCF-style: chr11-10762004-A-G. GRCh37 (hg19) VCF-style: chr11-10783551-A-G.
Other names: c.799A>G, p.Ser267Gly (NM_001346279.2); short protein forms S267G.
Identifiers: ClinVar variation 2136290 (VCV002136290.1), dbSNP rs2539377696, ClinGen allele CA379663163.